The following is an entry in ClinVar:

ClinVar aggregate classification (germline): Uncertain significance (1 of 4 stars; one submission).

Submission:

GeneDx
Classification: Uncertain significance. Last evaluated: 2024-09-10. Review status: criteria provided, single submitter. Criteria: GeneDx Variant Classification Process June 2021. Collection method: clinical testing. Allele origin: germline. Affected: yes.
Comment: Not observed at significant frequency in large population cohorts (gnomAD); In silico analysis supports a deleterious effect on splicing; Has not been previously published as pathogenic or benign to our knowledge

NM_001371727.1(GABRB2):c.832+5G>C

Gene: GABRB2 (gamma-aminobutyric acid type A receptor subunit beta2; minus strand). Cytogenetic location: 5q34.
Variant type: single nucleotide variant.
Coding change: c.832+5G>C on transcript NM_001371727.1 (MANE Select); 5 bases into the intron after coding-DNA position 832, G replaced by C.
Molecular consequence: intron variant.
Genome position (GRCh38, 1-based): chr5:161,334,747, C>G on the plus strand (G>C on the coding strand, the complement: GABRB2 is on the minus strand). VCF-style: chr5-161334747-C-G. GRCh37 (hg19) VCF-style: chr5-160761754-C-G.
Other names: c.832+5G>C (NM_000813.3, NM_021911.3).
Identifiers: ClinVar variation 3767833 (VCV003767833.1).